The following is an entry in ClinVar:

NM_006904.7(PRKDC):c.1040G>A (p.Gly347Glu)

Gene: PRKDC (protein kinase, DNA-activated, catalytic subunit; minus strand). Cytogenetic location: 8q11.21.
Variant type: single nucleotide variant.
Coding change: c.1040G>A on transcript NM_006904.7 (MANE Select); coding-DNA position 1040, G replaced by A.
Protein change: p.Gly347Glu; replaces glycine 347 with glutamic acid.
Molecular consequence: missense variant.
Genome position (GRCh38, 1-based): chr8:47,939,624, C>T on the plus strand (G>A on the coding strand, the complement: PRKDC is on the minus strand). VCF-style: chr8-47939624-C-T. GRCh37 (hg19) VCF-style: chr8-48852184-C-T.
Other names: c.1040G>A, p.Gly347Glu (NM_001081640.2); short protein forms G347E.
Identifiers: ClinVar variation 666054 (VCV000666054.7), dbSNP rs1589807185, ClinGen allele CA371166704.

ClinVar aggregate classification (germline): Uncertain significance. Review status: criteria provided, multiple submitters, no conflicts (2 of 4 stars). 2 submissions from 2 submitters: Uncertain significance (2). Last evaluated 2021-12-31.

Conditions:
Severe combined immunodeficiency due to DNA-PKcs deficiency. Also called: IMMUNODEFICIENCY 26 WITH NEUROLOGIC ABNORMALITIES; Immunodeficiency 26 with or without neurologic abnormalities. Identifiers: Orphanet 317425, MedGen C4014833, MONDO:0014423, OMIM 615966.

Allele frequency attached by ClinVar (database versions not stated): gnomAD exomes below 0.00001; gnomAD 0.00001.
gnomAD v4.1: 3 of 1,613,234 alleles (0.00019%); highest among the groups gnomAD compares: Non-Finnish European, 0.00025%; 1 homozygote.

Submissions (2):

Labcorp Genetics (formerly Invitae), Labcorp
Classification: Uncertain significance for Severe combined immunodeficiency due to DNA-PKcs deficiency. Last evaluated: 2021-12-31. Review status: criteria provided, single submitter. Criteria: Invitae Variant Classification Sherloc (09022015). Collection method: clinical testing. Allele origin: germline.
Comment: Algorithms developed to predict the effect of missense changes on protein structure and function output the following: SIFT: "Not Available"; PolyPhen-2: "Not Available"; Align-GVGD: "Not Available". The glutamic acid amino acid residue is found in multiple mammalian species, which suggests that this missense change does not adversely affect protein function. ClinVar contains an entry for this variant (Variation ID: 666054). This variant has not been reported in the literature in individuals affected with PRKDC-related conditions. This variant is not present in population databases (gnomAD no frequency). This sequence change replaces glycine, which is neutral and non-polar, with glutamic acid, which is acidic and polar, at codon 347 of the PRKDC protein (p.Gly347Glu). In summary, the available evidence is currently insufficient to determine the role of this variant in disease. Therefore, it has been classified as a Variant of Uncertain Significance.

Ambry Genetics
Classification: Uncertain significance. Last evaluated: 2021-08-09. Review status: criteria provided, single submitter. Criteria: Ambry Variant Classification Scheme 2023. Collection method: clinical testing. Allele origin: germline.
Comment: The p.G347E variant (also known as c.1040G>A), located in coding exon 11 of the PRKDC gene, results from a G to A substitution at nucleotide position 1040. The glycine at codon 347 is replaced by glutamic acid, an amino acid with similar properties. This amino acid position is conserved. In addition, this alteration is predicted to be tolerated by in silico analysis. Since supporting evidence is limited at this time, the clinical significance of this alteration remains unclear.